The following is an entry in ClinVar:

ClinVar aggregate classification (germline): Pathogenic/Likely pathogenic. Review status: criteria provided, multiple submitters, no conflicts (2 of 4 stars). 4 submissions from 4 submitters: Pathogenic (2); Likely pathogenic (2). Last evaluated 2023-05-29.

Conditions:
Inborn genetic diseases. Identifiers: MedGen C0950123, MeSH D030342.
Tooth agenesis, selective, 7 (STHAG7). Identifiers: Orphanet 99798, MedGen C4225231, MONDO:0014749, OMIM 616724.

Submissions (4):

Labcorp Genetics (formerly Invitae), Labcorp
Classification: Pathogenic. Last evaluated: 2023-05-29. Review status: criteria provided, single submitter. Criteria: Invitae Variant Classification Sherloc (09022015). Collection method: clinical testing. Allele origin: germline.
Comment: For these reasons, this variant has been classified as Pathogenic. ClinVar contains an entry for this variant (Variation ID: 620374). This premature translational stop signal has been observed in individual(s) with oligodontia (PMID: 34593752). This variant is not present in population databases (gnomAD no frequency). This sequence change creates a premature translational stop signal (p.Arg335*) in the LRP6 gene. It is expected to result in an absent or disrupted protein product. Loss-of-function variants in LRP6 are known to be pathogenic (PMID: 26387593).

Ambry Genetics
Classification: Pathogenic for Inborn genetic diseases. Last evaluated: 2021-06-10. Review status: criteria provided, single submitter. Criteria: Ambry Variant Classification Scheme 2023. Collection method: clinical testing. Allele origin: germline.
Comment: The c.1003C>T (p.R335*) alteration, located in exon 6 (coding exon 6) of the LRP6 gene, consists of a C to T substitution at nucleotide position 1003. This changes the amino acid from an arginine (R) to a stop codon at amino acid position 335. This alteration is expected to result in loss of function by premature protein truncation or nonsense-mediated mRNA decay. Based on data from the Genome Aggregation Database (gnomAD), the LRP6 c.1003C>T alteration was not observed, with coverage at this position. Based on the available evidence, this alteration is classified as pathogenic.

Revvity Omics, Revvity
Classification: Likely pathogenic for Tooth agenesis, selective, 7. Last evaluated: 2021-03-22. Review status: criteria provided, single submitter. Criteria: ACMG Guidelines, 2015. Collection method: clinical testing. Allele origin: germline.

GeneDx
Classification: Likely pathogenic. Last evaluated: 2018-09-22. Review status: criteria provided, single submitter. Criteria: GeneDx Variant Classification (06012015). Collection method: clinical testing. Allele origin: germline. Affected: yes.
Comment: The R335X variant in the LRP6 gene has has not been reported previously as a pathogenic variant nor as a benign variant, to our knowledge. This variant is predicted to cause loss of normal protein function either through protein truncation or nonsense-mediated mRNA decay. The R335X variant is not observed in large population cohorts (Lek et al., 2016). We interpret R335X as a likely pathogenic variant.

Literature cited by the submitters: PubMed 34593752 (cited by Labcorp Genetics (formerly Invitae), Labcorp); PubMed 26387593 (cited by Labcorp Genetics (formerly Invitae), Labcorp).

NM_002336.3(LRP6):c.1003C>T (p.Arg335Ter)

Gene: LRP6 (LDL receptor related protein 6; minus strand). Cytogenetic location: 12p13.2.
Variant type: single nucleotide variant.
Coding change: c.1003C>T on transcript NM_002336.3 (MANE Select); coding-DNA position 1003, C replaced by T.
Protein change: p.Arg335Ter; replaces arginine 335 with a stop codon.
Molecular consequence: nonsense.
Genome position (GRCh38, 1-based): chr12:12,181,413, G>A on the plus strand (C>T on the coding strand, the complement: LRP6 is on the minus strand). VCF-style: chr12-12181413-G-A. GRCh37 (hg19) VCF-style: chr12-12334347-G-A.
Other names: short protein forms R335*.
Identifiers: ClinVar variation 620374 (VCV000620374.10), dbSNP rs1565611848, ClinGen allele CA383951745.
Genomic context (GRCh38, chr12:12,181,413, plus strand): 5'-GCAGAACAATGTCTGTAAAATCTGGTGTATCCAAAGAAATGCGTCTCAAGTCTGTCCTTC[G>A]AGCTAAAAGCAATAATTCTGTGGCACCTAGAACAACAAAGTGAAATGAAGAATACTTTGA-3'